The following is an entry in ClinVar:

ClinVar aggregate classification (germline): Uncertain significance (1 of 4 stars; one submission).

Allele frequency attached by ClinVar (database versions not stated): gnomAD exomes below 0.00001.
gnomAD v4.1: 1 of 1,600,012 alleles (0.000062%); highest among the groups gnomAD compares: African/African-American, 0.0013%; no homozygotes.

Submission:

Ambry Genetics
Classification: Uncertain significance. Last evaluated: 2025-07-02. Review status: criteria provided, single submitter. Criteria: Ambry Variant Classification Scheme 2023. Collection method: clinical testing. Allele origin: germline.
Comment: The p.R220T variant (also known as c.659G>C), located in coding exon 3 of the GALNT12 gene, results from a G to C substitution at nucleotide position 659. The arginine at codon 220 is replaced by threonine, an amino acid with similar properties. This amino acid position is poorly conserved in available vertebrate species. In addition, this alteration is predicted to be tolerated by in silico analysis. Since supporting evidence is limited at this time, the clinical significance of this alteration remains unclear.

NM_024642.5(GALNT12):c.659G>C (p.Arg220Thr)

Gene: GALNT12 (polypeptide N-acetylgalactosaminyltransferase 12; plus strand). Cytogenetic location: 9q22.33.
Variant type: single nucleotide variant.
Coding change: c.659G>C on transcript NM_024642.5 (MANE Select); coding-DNA position 659, G replaced by C.
Protein change: p.Arg220Thr; replaces arginine 220 with threonine.
Molecular consequence: missense variant.
Genome position (GRCh38, 1-based): chr9:98,826,869, G>C. VCF-style: chr9-98826869-G-C. GRCh37 (hg19) VCF-style: chr9-101589151-G-C.
Other names: short protein forms R220T.
Identifiers: ClinVar variation 1754395 (VCV001754395.4), dbSNP rs1183701126, ClinGen allele CA374217611.